The following is an entry in ClinVar:

NM_004082.5(DCTN1):c.3228G>A (p.Gln1076=)

Gene: DCTN1 (dynactin subunit 1; minus strand). Cytogenetic location: 2p13.1.
Variant type: single nucleotide variant.
Coding change: c.3228G>A on transcript NM_004082.5 (MANE Select); coding-DNA position 3228, G replaced by A.
Protein change: p.Gln1076=; no amino-acid change (glutamine 1076 retained).
Molecular consequence: synonymous variant. On other transcripts: non-coding transcript variant (1).
Genome position (GRCh38, 1-based): chr2:74,363,411, C>T on the plus strand (G>A on the coding strand, the complement: DCTN1 is on the minus strand). VCF-style: chr2-74363411-C-T. GRCh37 (hg19) VCF-style: chr2-74590538-C-T.
Other names: c.3153G>A, p.Gln1051= (NM_001135040.3); c.2811G>A, p.Gln937= (NM_001135041.3); c.3102G>A, p.Gln1034= (NM_001190836.2); c.3207G>A, p.Gln1069= (NM_001190837.2); c.3177G>A, p.Gln1059= (NM_001378991.1); c.3159G>A, p.Gln1053= (NM_001378992.1); c.2826G>A, p.Gln942= (NM_023019.4).
Identifiers: ClinVar variation 468270 (VCV000468270.17), dbSNP rs202237523, ClinGen allele CA1721541.

ClinVar aggregate classification (germline): Benign/Likely benign. Review status: criteria provided, multiple submitters, no conflicts (2 of 4 stars). 4 submissions from 4 submitters: Benign (1); Likely benign (2). 1 of the submissions does not count toward it. Last evaluated 2026-01-14.

Conditions:
DCTN1-related disorder. Also called: DCTN1-related condition.
Inborn genetic diseases. Identifiers: MedGen C0950123, MeSH D030342.
Amyotrophic lateral sclerosis type 1 (ALS1). Also called: AMYOTROPHIC LATERAL SCLEROSIS 1, FAMILIAL. Identifiers: Orphanet 803, MedGen C1862939, MONDO:0007103, OMIM 105400.
Perry syndrome. Also called: PARKINSONISM WITH ALVEOLAR HYPOVENTILATION AND MENTAL DEPRESSION. Identifiers: Orphanet 178509, MedGen C1868594, MONDO:0008201, OMIM 168605.
Neuronopathy, distal hereditary motor, type 7B. Also called: Distal Hereditary Motor Neuronopathy Type 7B (dHMN7B); HMN VIIB; LOWER MOTOR NEURON DISEASE, DYNACTIN TYPE; NEURONOPATHY, DISTAL HEREDITARY MOTOR, AUTOSOMAL DOMINANT 14; NEURONOPATHY, DISTAL HEREDITARY MOTOR, HARDING TYPE VIIB; NEUROPATHY, DISTAL HEREDITARY MOTOR, HARDING TYPE VIIB. Identifiers: Orphanet 139589, MedGen C1843315, MONDO:0011879, OMIM 607641.

Allele frequency attached by ClinVar (database versions not stated): ExAC 0.00005; gnomAD 0.00007 and 0.00009; TOPMed 0.00008; gnomAD exomes 0.00010 and 0.00014; 1000 Genomes Project 30x 0.00016; 1000 Genomes Project 0.00020.
gnomAD v4.1: 211 of 1,612,500 alleles (0.013%); highest among the groups gnomAD compares: Non-Finnish European, 0.017%; no homozygotes.

Submissions (4):

Labcorp Genetics (formerly Invitae), Labcorp
Classification: Likely benign for Amyotrophic lateral sclerosis type 1; Neuronopathy, distal hereditary motor, type 7B; Perry syndrome. Last evaluated: 2026-01-14. Review status: criteria provided, single submitter. Criteria: Invitae Variant Classification Sherloc (09022015). Collection method: clinical testing. Allele origin: germline.

Women's Health and Genetics/Laboratory Corporation of America, LabCorp
Classification: Benign. Last evaluated: 2025-10-08. Review status: criteria provided, single submitter. Criteria: LabCorp Variant Classification Summary - May 2015. Collection method: clinical testing. Allele origin: germline.

Ambry Genetics
Classification: Likely benign for Inborn genetic diseases. Last evaluated: 2019-07-11. Review status: criteria provided, single submitter. Criteria: Ambry Variant Classification Scheme 2023. Collection method: clinical testing. Allele origin: germline.

PreventionGenetics, part of Exact Sciences
Classification: Likely benign for DCTN1-related condition. Last evaluated: 2022-12-13. Review status: no assertion criteria provided. Collection method: clinical testing. Allele origin: germline. Not counted in ClinVar's aggregate classification.
Comment: This variant is classified as likely benign based on ACMG/AMP sequence variant interpretation guidelines (Richards et al. 2015 PMID: 25741868, with internal and published modifications).